The following is an entry in ClinVar:

NM_004525.3(LRP2):c.8126A>G (p.Asn2709Ser)

Gene: LRP2 (LDL receptor related protein 2; minus strand). Cytogenetic location: 2q31.1.
Variant type: single nucleotide variant.
Coding change: c.8126A>G on transcript NM_004525.3 (MANE Select); coding-DNA position 8126, A replaced by G.
Protein change: p.Asn2709Ser; replaces asparagine 2709 with serine.
Molecular consequence: missense variant.
Genome position (GRCh38, 1-based): chr2:169,202,839, T>C on the plus strand (A>G on the coding strand, the complement: LRP2 is on the minus strand). VCF-style: chr2-169202839-T-C. GRCh37 (hg19) VCF-style: chr2-170059349-T-C.
Other names: short protein forms N2709S.
Identifiers: ClinVar variation 2192794 (VCV002192794.1), dbSNP rs1325176910, ClinGen allele CA349166148.

ClinVar aggregate classification (germline): Uncertain significance (1 of 4 stars; one submission).

Allele frequency attached by ClinVar (database versions not stated): gnomAD exomes 0.00001; TOPMed 0.00002; gnomAD 0.00003.
gnomAD v4.1: 13 of 1,607,392 alleles (0.00081%); highest among the groups gnomAD compares: East Asian, 0.0023%; no homozygotes.

Submission:

Labcorp Genetics (formerly Invitae), Labcorp
Classification: Uncertain significance. Last evaluated: 2022-08-22. Review status: criteria provided, single submitter. Criteria: Invitae Variant Classification Sherloc (09022015). Collection method: clinical testing. Allele origin: germline.
Comment: This sequence change replaces asparagine, which is neutral and polar, with serine, which is neutral and polar, at codon 2709 of the LRP2 protein (p.Asn2709Ser). This variant is not present in population databases (gnomAD no frequency). This variant has not been reported in the literature in individuals affected with LRP2-related conditions. Advanced modeling of protein sequence and biophysical properties (such as structural, functional, and spatial information, amino acid conservation, physicochemical variation, residue mobility, and thermodynamic stability) performed at Invitae indicates that this missense variant is not expected to disrupt LRP2 protein function. In summary, the available evidence is currently insufficient to determine the role of this variant in disease. Therefore, it has been classified as a Variant of Uncertain Significance.